The following is an entry in ClinVar:

ClinVar aggregate classification (germline): Likely benign (1 of 4 stars; one submission).

Allele frequency attached by ClinVar (database versions not stated): gnomAD exomes 0.00007; gnomAD 0.00015; 1000 Genomes Project 0.00200.
gnomAD v4.1: 114 of 1,487,434 alleles (0.0077%); highest among the groups gnomAD compares: East Asian, 0.23%; 13 homozygotes.

Submission:

CeGaT Center for Human Genetics Tuebingen
Classification: Likely benign. Last evaluated: 2026-05-01. Review status: criteria provided, single submitter. Criteria: CeGaT Center For Human Genetics Tuebingen Variant Classification Criteria Version 2. Collection method: clinical testing. Allele origin: germline. Affected: yes. Observed: 7 variant alleles.
Comment: MUC22: BP4, BP7, BS2

NM_001395414.1(MUC22):c.1770C>T (p.Thr590=)

Gene: MUC22 (mucin 22; plus strand). Cytogenetic location: 6p21.33.
Variant type: single nucleotide variant.
Coding change: c.1770C>T on transcript NM_001395414.1 (MANE Select); coding-DNA position 1770, C replaced by T.
Protein change: p.Thr590=; no amino-acid change (threonine 590 retained).
Molecular consequence: synonymous variant.
Genome position (GRCh38, 1-based): chr6:31,027,201, C>T. VCF-style: chr6-31027201-C-T. GRCh37 (hg19) VCF-style: chr6-30994978-C-T.
Other names: c.1770C>T, p.Thr590= (NM_001198815.1); c.1779C>T, p.Thr593= (NM_001318484.1, NM_001322469.1).
Identifiers: ClinVar variation 2656385 (VCV002656385.24), dbSNP rs557946998, ClinGen allele CA136770799.
Genomic context (GRCh38, chr6:31,027,201, plus strand): 5'-TGCAAGCTCTGAGGTGACCACAGTCTTTGCTGCAGGCTCTGAGACAATCAGAGCCTCTAC[C>T]GTAGGCTCTGAGACCACCACAGTCTCTACCACAGGCTCTGAGACCACCACAGCCTCCATC-3'
Protein context (NP_001382343.1, residues 580-600): AAGSETIRAS[Thr590=]VGSETTTVST